The following is an entry in ClinVar:

ClinVar aggregate classification (germline): Uncertain significance. Review status: criteria provided, multiple submitters, no conflicts (2 of 4 stars). 2 submissions from 2 submitters: Uncertain significance (2). Last evaluated 2022-10-13.

Allele frequency attached by ClinVar (database versions not stated): gnomAD 0.00001; ExAC 0.00002; TOPMed 0.00003; ESP Exome Variant Server 0.00008.
gnomAD v4.1: 34 of 1,612,872 alleles (0.0021%); highest among the groups gnomAD compares: Non-Finnish European, 0.0026%; no homozygotes.

Submissions (2):

Labcorp Genetics (formerly Invitae), Labcorp
Classification: Uncertain significance. Last evaluated: 2022-10-13. Review status: criteria provided, single submitter. Criteria: Invitae Variant Classification Sherloc (09022015). Collection method: clinical testing. Allele origin: germline.
Comment: This sequence change replaces cysteine, which is neutral and slightly polar, with tyrosine, which is neutral and polar, at codon 279 of the MYSM1 protein (p.Cys279Tyr). This variant is present in population databases (rs374418454, gnomAD 0.006%). This variant has not been reported in the literature in individuals affected with MYSM1-related conditions. ClinVar contains an entry for this variant (Variation ID: 1328722). Advanced modeling of protein sequence and biophysical properties (such as structural, functional, and spatial information, amino acid conservation, physicochemical variation, residue mobility, and thermodynamic stability) performed at Invitae indicates that this missense variant is not expected to disrupt MYSM1 protein function. In summary, the available evidence is currently insufficient to determine the role of this variant in disease. Therefore, it has been classified as a Variant of Uncertain Significance.

GeneDx
Classification: Uncertain significance. Last evaluated: 2021-06-18. Review status: criteria provided, single submitter. Criteria: GeneDx Variant Classification Process June 2021. Collection method: clinical testing. Allele origin: germline. Affected: yes.
Comment: In silico analysis supports that this missense variant does not alter protein structure/function; De novo variant with confirmed parentage in a patient with a developmental disorder, however detailed clinical information was not provided (Deciphering_Developmental_Disorders_Study., 2017); This variant is associated with the following publications: (PMID: 27535533, 28135719, 31785789)

NM_001085487.3(MYSM1):c.836G>A (p.Cys279Tyr)

Gene: MYSM1 (Myb like, SWIRM and MPN domains 1; minus strand). Cytogenetic location: 1p32.1.
Variant type: single nucleotide variant.
Coding change: c.836G>A on transcript NM_001085487.3 (MANE Select); coding-DNA position 836, G replaced by A.
Protein change: p.Cys279Tyr; replaces cysteine 279 with tyrosine.
Molecular consequence: missense variant.
Genome position (GRCh38, 1-based): chr1:58,682,208, C>T on the plus strand (G>A on the coding strand, the complement: MYSM1 is on the minus strand). VCF-style: chr1-58682208-C-T. GRCh37 (hg19) VCF-style: chr1-59147880-C-T.
Other names: short protein forms C279Y.
Identifiers: ClinVar variation 1328722 (VCV001328722.4), dbSNP rs374418454, ClinGen allele CA877948.